The following is an entry in ClinVar:

ClinVar aggregate classification (germline): Benign/Likely benign. Review status: criteria provided, multiple submitters, no conflicts (2 of 4 stars). 3 submissions from 3 submitters: Benign (1); Likely benign (2). Last evaluated 2026-06-22.

Conditions:
POT1-related disorder. Also called: POT1-related condition.
Tumor predisposition syndrome 3 (TPDS3). Also called: Melanoma, cutaneous malignant, susceptibility to, 10; Glioma susceptibility 9; LONG TELOMERE SYNDROME, POT1-RELATED; POT1 Tumor Predisposition. Identifiers: Orphanet 618, MedGen C4014476, MONDO:0014368, OMIM 615848.
Hereditary cancer-predisposing syndrome. Also called: Neoplastic Syndromes, Hereditary; Hereditary Cancer Syndrome; Tumor predisposition; Hereditary neoplastic syndrome. Identifiers: Orphanet 140162, MedGen C0027672, MeSH D009386, MONDO:0015356.

Allele frequency attached by ClinVar (database versions not stated): gnomAD exomes 0.00008 and 0.00020; ExAC 0.00025; 1000 Genomes Project 0.00040; 1000 Genomes Project 30x 0.00047.
gnomAD v4.1: 126 of 1,612,994 alleles (0.0078%); highest among the groups gnomAD compares: South Asian, 0.13%; 2 homozygotes.

Submissions (3):

PreventionGenetics, part of Exact Sciences
Classification: Likely benign for POT1-related condition. Last evaluated: 2026-06-22. Review status: criteria provided, single submitter. Criteria: ACMG Guidelines, 2015. Collection method: clinical testing. Allele origin: germline.
Comment: This variant is classified as likely benign based on ACMG/AMP sequence variant interpretation guidelines (Richards et al. 2015 PMID: 25741868, with internal and published modifications).

Labcorp Genetics (formerly Invitae), Labcorp
Classification: Benign for Tumor predisposition syndrome 3. Last evaluated: 2025-10-31. Review status: criteria provided, single submitter. Criteria: Invitae Variant Classification Sherloc (09022015). Collection method: clinical testing. Allele origin: germline.

Ambry Genetics
Classification: Likely benign for Hereditary cancer-predisposing syndrome. Last evaluated: 2017-02-22. Review status: criteria provided, single submitter. Criteria: Ambry Variant Classification Scheme 2023. Collection method: clinical testing. Allele origin: germline.

NM_015450.3(POT1):c.1227A>C (p.Pro409=)

Gene: POT1 (protection of telomeres 1; minus strand). Cytogenetic location: 7q31.33.
Variant type: single nucleotide variant.
Coding change: c.1227A>C on transcript NM_015450.3 (MANE Select); coding-DNA position 1227, A replaced by C.
Protein change: p.Pro409=; no amino-acid change (proline 409 retained).
Molecular consequence: synonymous variant. On other transcripts: non-coding transcript variant (3).
Genome position (GRCh38, 1-based): chr7:124,841,115, T>G on the plus strand (A>C on the coding strand, the complement: POT1 is on the minus strand). VCF-style: chr7-124841115-T-G. GRCh37 (hg19) VCF-style: chr7-124481169-T-G.
Other names: c.834A>C, p.Pro278= (NM_001042594.2).
Identifiers: ClinVar variation 475032 (VCV000475032.16), dbSNP rs552835784, ClinGen allele CA4465183.